The following is an entry in ClinVar:

NM_001199138.2(NLRC4):c.890T>A (p.Val297Glu)

Gene: NLRC4 (NLR family CARD domain containing 4; minus strand). Cytogenetic location: 2p22.3.
Variant type: single nucleotide variant.
Coding change: c.890T>A on transcript NM_001199138.2 (MANE Select); coding-DNA position 890, T replaced by A.
Protein change: p.Val297Glu; replaces valine 297 with glutamic acid.
Molecular consequence: missense variant. On other transcripts: intron variant (1).
Genome position (GRCh38, 1-based): chr2:32,250,974, A>T on the plus strand (T>A on the coding strand, the complement: NLRC4 is on the minus strand). VCF-style: chr2-32250974-A-T. GRCh37 (hg19) VCF-style: chr2-32476043-A-T.
Other names: c.890T>A, p.Val297Glu (NM_001199139.2, NM_021209.5); c.262+1445T>A (NM_001302504.1); short protein forms V297E.
Identifiers: ClinVar variation 646522 (VCV000646522.8), dbSNP rs1573494293, ClinGen allele CA346514038.

ClinVar aggregate classification (germline): Uncertain significance (1 of 4 stars; one submission).

Conditions:
Periodic fever-infantile enterocolitis-autoinflammatory syndrome. Also called: Autoinflammation with infantile enterocolitis. Identifiers: Orphanet 436166, MedGen C4015067, MONDO:0014472, OMIM 616050.
Familial cold autoinflammatory syndrome 4 (FCAS4). Identifiers: Orphanet 47045, Orphanet 576349, MedGen C4015276, MONDO:0014498, OMIM 616115.

Submission:

Labcorp Genetics (formerly Invitae), Labcorp
Classification: Uncertain significance for Periodic fever-infantile enterocolitis-autoinflammatory syndrome; Familial cold autoinflammatory syndrome 4. Last evaluated: 2025-09-02. Review status: criteria provided, single submitter. Criteria: Invitae Variant Classification Sherloc (09022015). Collection method: clinical testing. Allele origin: germline.
Comment: This sequence change replaces valine, which is neutral and non-polar, with glutamic acid, which is acidic and polar, at codon 297 of the NLRC4 protein (p.Val297Glu). This variant is not present in population databases (gnomAD no frequency). This variant has not been reported in the literature in individuals affected with NLRC4-related conditions. ClinVar contains an entry for this variant (Variation ID: 646522). Invitae Evidence Modeling of protein sequence and biophysical properties (such as structural, functional, and spatial information, amino acid conservation, physicochemical variation, residue mobility, and thermodynamic stability) indicates that this missense variant is not expected to disrupt NLRC4 protein function with a negative predictive value of 80%. In summary, the available evidence is currently insufficient to determine the role of this variant in disease. Therefore, it has been classified as a Variant of Uncertain Significance.